The following is an entry in ClinVar:

NM_005633.4(SOS1):c.2064-15G>T

Gene: SOS1 (SOS Ras/Rac guanine nucleotide exchange factor 1; minus strand). Cytogenetic location: 2p22.1.
Variant type: single nucleotide variant.
Coding change: c.2064-15G>T on transcript NM_005633.4 (MANE Select); 15 bases into the intron before coding-DNA position 2064, G replaced by T.
Molecular consequence: intron variant.
Genome position (GRCh38, 1-based): chr2:39,013,578, C>A on the plus strand (G>T on the coding strand, the complement: SOS1 is on the minus strand). VCF-style: chr2-39013578-C-A. GRCh37 (hg19) VCF-style: chr2-39240719-C-A.
Other names: c.2043-15G>T (NM_001382394.1); c.2064-15G>T (NM_001382395.1).
Identifiers: ClinVar variation 505373 (VCV000505373.12), dbSNP rs746484679, ClinGen allele CA1624467.

ClinVar aggregate classification (germline): Conflicting classifications of pathogenicity. Review status: criteria provided, conflicting classifications (1 of 4 stars). 2 submissions from 2 submitters: Uncertain significance (1); Likely benign (1). Last evaluated 2025-06-24.

Conditions:
RASopathy. Also called: Noonan spectrum disorder; rasopathies. Identifiers: Orphanet 536391, MedGen C5555857, MONDO:0021060.

Allele frequency attached by ClinVar (database versions not stated): ExAC 0.00001; gnomAD 0.00001; gnomAD exomes 0.00001; TOPMed 0.00002.
gnomAD v4.1: 20 of 1,468,190 alleles (0.0014%); highest among the groups gnomAD compares: African/African-American, 0.0028%; no homozygotes.

Submissions (2):

Labcorp Genetics (formerly Invitae), Labcorp
Classification: Likely benign for RASopathy. Last evaluated: 2025-06-24. Review status: criteria provided, single submitter. Criteria: Invitae Variant Classification Sherloc (09022015). Collection method: clinical testing. Allele origin: germline.

Laboratory for Molecular Medicine, Mass General Brigham Personalized Medicine
Classification: Uncertain significance. Last evaluated: 2016-10-07. Review status: criteria provided, single submitter. Criteria: LMM Criteria. Collection method: clinical testing. Allele origin: germline. Observed: 1 variant allele.
Comment: The c.2064-15G>T variant in SOS1 has not been previously reported in individuals with a RASopathy disorder, but has been identified in 1/10324 African chromosom es by the Exome Aggregation Consortium (ExAC; db SNP rs746484679). This variant is located in the 3' splice region. Computational tools do not suggest an impact to splicing. However, this information is not pr edictive enough to rule out pathogenicity. In summary, the clinical significance of the c.2064-15G>T variant is uncertain.